The following is an entry in ClinVar:

NM_004415.4(DSP):c.5884G>A (p.Asp1962Asn)

Gene: DSP (desmoplakin; plus strand). Cytogenetic location: 6p24.3.
Variant type: single nucleotide variant.
Coding change: c.5884G>A on transcript NM_004415.4 (MANE Select); coding-DNA position 5884, G replaced by A.
Protein change: p.Asp1962Asn; replaces aspartic acid 1962 with asparagine.
Molecular consequence: missense variant.
Genome position (GRCh38, 1-based): chr6:7,583,146, G>A. VCF-style: chr6-7583146-G-A. GRCh37 (hg19) VCF-style: chr6-7583379-G-A.
Other names: c.4087G>A, p.Asp1363Asn (NM_001008844.3); c.4555G>A, p.Asp1519Asn (NM_001319034.2); short protein forms D1363N, D1519N, D1962N.
Identifiers: ClinVar variation 3072633 (VCV003072633.1), dbSNP rs2533938126, ClinGen allele CA362689621.

ClinVar aggregate classification (germline): Uncertain significance (1 of 4 stars; one submission).

Conditions:
Arrhythmogenic cardiomyopathy with wooly hair and keratoderma. Also called: PALMOPLANTAR KERATODERMA WITH LEFT VENTRICULAR CARDIOMYOPATHY AND WOOLLY HAIR; Carvajal syndrome; Dilated cardiomyopathy with woolly hair and keratoderma; Arrhythmogenic cardiomyopathy with woolly hair and keratoderma. Identifiers: Orphanet 65282, MedGen C1854063, MONDO:0011581, OMIM 605676.

Submission:

All of Us Research Program, National Institutes of Health
Classification: Uncertain significance for Arrhythmogenic cardiomyopathy with wooly hair and keratoderma. Last evaluated: 2023-08-15. Review status: criteria provided, single submitter. Criteria: ACMG Guidelines, 2015. Collection method: clinical testing. Allele origin: germline. Inheritance: Autosomal dominant inheritance. Observed: 1 variant allele, 1 heterozygote.
Comment: This study involves interpretation of variants in research participants for the purpose of population health screening. Participant phenotype was not available at the time of variant classification. Additional details can be found in publication PMID: 35346344, PMCID: PMC8962531